The following is an entry in ClinVar:

ClinVar aggregate classification (germline): Uncertain significance (1 of 4 stars; one submission).

Submission:

GeneDx
Classification: Uncertain significance. Last evaluated: 2025-06-11. Review status: criteria provided, single submitter. Criteria: GeneDx Variant Classification Process June 2021. Collection method: clinical testing. Allele origin: germline. Affected: yes.
Comment: Not observed at significant frequency in large population cohorts (gnomAD); In silico analysis suggests that this missense variant does not alter protein structure/function; Has not been previously published as pathogenic or benign to our knowledge

NM_024496.4(IRF2BPL):c.2296C>A (p.Leu766Ile)

Gene: IRF2BPL (interferon regulatory factor 2 binding protein like; minus strand). Cytogenetic location: 14q24.3.
Variant type: single nucleotide variant.
Coding change: c.2296C>A on transcript NM_024496.4 (MANE Select); coding-DNA position 2296, C replaced by A.
Protein change: p.Leu766Ile; replaces leucine 766 with isoleucine.
Molecular consequence: missense variant.
Genome position (GRCh38, 1-based): chr14:77,025,497, G>T on the plus strand (C>A on the coding strand, the complement: IRF2BPL is on the minus strand). VCF-style: chr14-77025497-G-T. GRCh37 (hg19) VCF-style: chr14-77491840-G-T.
Other names: short protein forms L766I.
Identifiers: ClinVar variation 4538150 (VCV004538150.1).